The following is an entry in ClinVar:

NM_000392.5(ABCC2):c.2289G>T (p.Gly763=)

Gene: ABCC2 (ATP binding cassette subfamily C member 2; plus strand). Cytogenetic location: 10q24.2.
Variant type: single nucleotide variant.
Coding change: c.2289G>T on transcript NM_000392.5 (MANE Select); coding-DNA position 2289, G replaced by T.
Protein change: p.Gly763=; no amino-acid change (glycine 763 retained).
Molecular consequence: synonymous variant.
Genome position (GRCh38, 1-based): chr10:99,818,807, G>T. VCF-style: chr10-99818807-G-T. GRCh37 (hg19) VCF-style: chr10-101578564-G-T.
Identifiers: ClinVar variation 3242073 (VCV003242073.1), dbSNP rs773838543.
Genomic context (GRCh38, chr10:99,818,807, plus strand): 5'-GATCTAGGGAGTAGTGCTTAATATGAATTATTTTCTTCTTCAGGGTATAAATCTTAGTGG[G>T]GGTCAGAAGCAGCGGATCAGCCTGGCCAGAGCTACCTACCAAAATTTAGACATCTATCTT-3'
Protein context (NP_000383.2, residues 753-773): EIGEKGINLS[Gly763=]GQKQRISLAR

ClinVar aggregate classification (germline): Uncertain significance (1 of 4 stars; one submission).

Conditions:
Dubin-Johnson syndrome (DJS). Also called: Jaundice, Chronic Idiopathic; HYPERBILIRUBINEMIA, DUBIN-JOHNSON TYPE; Hyperbilirubinemia type 2. Identifiers: Orphanet 234, MedGen C0022350, MONDO:0009380, OMIM 237500.

Allele frequency attached by ClinVar (database versions not stated): ExAC 0.00002.
gnomAD v4.1: 6 of 1,614,056 alleles (0.00037%); highest among the groups gnomAD compares: South Asian, 0.0055%; no homozygotes.

Submission:

Neuberg Centre For Genomic Medicine, NCGM
Classification: Uncertain significance for Dubin-Johnson syndrome. Review status: criteria provided, single submitter. Criteria: ACMG Guidelines, 2015. Collection method: clinical testing. Allele origin: germline. Inheritance: Autosomal recessive inheritance. Affected: yes.
Comment: The synonymous variant c.2289G>T(p.Gly763) in ABCC2 gene has not been reported previously as a pathogenic variant nor as a benign variant, to our knowledge. The observed variant has allele frequency of 0.002% in gnomAD exomes database. This variant has not been submitted to the ClinVar database. For these reasons, this variant has been classified as Uncertain Significance (VUS).